The following is an entry in ClinVar:

NM_006231.4(POLE):c.3582+5C>T

Gene: POLE (DNA polymerase epsilon, catalytic subunit; minus strand). Cytogenetic location: 12q24.33.
Variant type: single nucleotide variant.
Coding change: c.3582+5C>T on transcript NM_006231.4 (MANE Select); 5 bases into the intron after coding-DNA position 3582, C replaced by T.
Molecular consequence: intron variant.
Genome position (GRCh38, 1-based): chr12:132,657,131, G>A on the plus strand (C>T on the coding strand, the complement: POLE is on the minus strand). VCF-style: chr12-132657131-G-A. GRCh37 (hg19) VCF-style: chr12-133233717-G-A.
Identifiers: ClinVar variation 220924 (VCV000220924.20), dbSNP rs775661457, ClinGen allele CA348086.

ClinVar aggregate classification (germline): Conflicting classifications of pathogenicity. Review status: criteria provided, conflicting classifications (1 of 4 stars). 4 submissions from 4 submitters: Uncertain significance (3); Likely benign (1). Last evaluated 2026-01-31.

Conditions:
Polymerase proofreading-related adenomatous polyposis. Also called: Polymerase proofreading associated polyposis; Polymerase proofreading–associated polyposis (PPAP). Identifiers: Orphanet 447877, MedGen C5202613, MONDO:0018653.
Hereditary cancer-predisposing syndrome. Also called: Tumor predisposition; Hereditary neoplastic syndrome; Hereditary Cancer Syndrome; Neoplastic Syndromes, Hereditary. Identifiers: Orphanet 140162, MedGen C0027672, MeSH D009386, MONDO:0015356.

Allele frequency attached by ClinVar (database versions not stated): ExAC 0.00002; gnomAD exomes 0.00001; gnomAD 0.00003; TOPMed 0.00005.
gnomAD v4.1: 24 of 1,613,632 alleles (0.0015%); highest among the groups gnomAD compares: Middle Eastern, 0.016%; no homozygotes.

Submissions (4):

Labcorp Genetics (formerly Invitae), Labcorp
Classification: Likely benign. Last evaluated: 2026-01-31. Review status: criteria provided, single submitter. Criteria: Invitae Variant Classification Sherloc (09022015). Collection method: clinical testing. Allele origin: germline.

Ambry Genetics
Classification: Uncertain significance for Hereditary cancer-predisposing syndrome. Last evaluated: 2026-01-08. Review status: criteria provided, single submitter. Criteria: Ambry Variant Classification Scheme 2023. Collection method: clinical testing. Allele origin: germline.
Comment: The c.3582+5C>T intronic variant results from a C to T substitution 5 nucleotides after coding exon 29 in the POLE gene. This nucleotide position is poorly conserved in available vertebrate species. In silico splice site analysis predicts that this alteration will not have any significant effect on splicing. Based on the available evidence, the clinical significance of this variant remains unclear.

Center for Genomic Medicine, Rigshospitalet, Copenhagen University Hospital
Classification: Uncertain significance. Last evaluated: 2025-03-04. Review status: criteria provided, single submitter. Criteria: ACMG Guidelines, 2015. Collection method: clinical testing. Allele origin: germline.

Department of Pathology and Laboratory Medicine, Sinai Health System
Classification: Uncertain significance for Polymerase proofreading-related adenomatous polyposis. Last evaluated: 2021-07-23. Review status: criteria provided, single submitter. Criteria: ACMG Guidelines, 2015. Collection method: clinical testing. Allele origin: germline. Affected: yes.